The following is an entry in ClinVar:

ClinVar aggregate classification (germline): Pathogenic. Review status: reviewed by expert panel (3 of 4 stars). 9 submissions from 8 submitters: Pathogenic (1). 8 of the submissions do not count toward it. Last evaluated 2017-03-17.

Conditions:
CFTR-related disorder (CFTR-RD). Also called: CFTR-related disorders; CFTR-related condition. Identifiers: MedGen C5924204, MONDO:7770004.
Cystic fibrosis diagnostic test.
Congenital bilateral aplasia of vas deferens from CFTR mutation (CBAVD). Identifiers: Orphanet 48, MedGen C0403814, MONDO:0010178, OMIM 277180. Disease mechanism: loss of function.
Cystic fibrosis (CF). Also called: MUCOVISCIDOSIS. Identifiers: Orphanet 586, MedGen C0010674, MONDO:0009061, OMIM 219700. Disease mechanism: loss of function.
Hereditary pancreatitis (PCTT). Also called: PRSS1-Related Hereditary Pancreatitis; Hereditary chronic pancreatitis. Identifiers: Orphanet 676, MedGen C0238339, MONDO:0008185, OMIM 167800.
Bronchiectasis with or without elevated sweat chloride 1 (BESC1). Also called: Cystic Fibrosis-Like Syndrome. Identifiers: Orphanet 60033, MedGen C2749757, MONDO:0008887, OMIM 211400.

Allele frequency attached by ClinVar (database versions not stated): gnomAD exomes 0.00001.

Submissions (9):

CFTR2
Classification: Pathogenic for Cystic fibrosis. Last evaluated: 2017-03-17. Review status: reviewed by expert panel. Criteria: Sosnay PR et al. (Nat Genet 2013). Collection method: research. Allele origin: germline. Affected: yes. Study: CFTR2.

NHS Central & South Genomic Laboratory Hub
Classification: Pathogenic for Cystic fibrosis diagnostic test. Last evaluated: 2025-10-21. Review status: criteria provided, single submitter. Criteria: ACMG Guidelines, 2015. Collection method: clinical testing. Allele origin: germline. Affected: yes. Not counted in ClinVar's aggregate classification.

CeGaT Center for Human Genetics Tuebingen
Classification: Pathogenic. Last evaluated: 2025-04-01. Review status: criteria provided, single submitter. Criteria: CeGaT Center For Human Genetics Tuebingen Variant Classification Criteria Version 2. Collection method: clinical testing. Allele origin: germline. Affected: yes. Observed: 2 variant alleles. Not counted in ClinVar's aggregate classification.
Comment: CFTR: PM3:Very Strong, PVS1, PM2

Labcorp Genetics (formerly Invitae), Labcorp
Classification: Pathogenic for Cystic fibrosis. Last evaluated: 2023-10-16. Review status: criteria provided, single submitter. Criteria: Invitae Variant Classification Sherloc (09022015). Collection method: clinical testing. Allele origin: germline. Not counted in ClinVar's aggregate classification.
Comment: This sequence change creates a premature translational stop signal (p.Glu822*) in the CFTR gene. It is expected to result in an absent or disrupted protein product. Loss-of-function variants in CFTR are known to be pathogenic (PMID: 1695717, 7691345, 9725922). This variant is present in population databases (rs397508378, gnomAD 0.001%). This premature translational stop signal has been observed in individuals with cystic fibrosis (PMID: 9003508, 11810271, 31523618). ClinVar contains an entry for this variant (Variation ID: 53492). For these reasons, this variant has been classified as Pathogenic.

Baylor Genetics
Classification: Pathogenic for Bronchiectasis with or without elevated sweat chloride 1. Last evaluated: 2023-07-21. Review status: criteria provided, single submitter. Criteria: ACMG Guidelines, 2015. Collection method: clinical testing. Allele origin: unknown. Not counted in ClinVar's aggregate classification.

Ambry Genetics
Classification: Pathogenic for Cystic fibrosis. Last evaluated: 2022-06-13. Review status: criteria provided, single submitter. Criteria: Ambry Variant Classification Scheme 2023. Collection method: clinical testing. Allele origin: germline. Not counted in ClinVar's aggregate classification.
Comment: The p.E822* pathogenic mutation (also known as c.2464G>T), located in coding exon 14 of the CFTR gene, results from a G to T substitution at nucleotide position 2464. This changes the amino acid from a glutamic acid to a stop codon within coding exon 14. This mutation was first described in a Greek cohort (reported as E822X) in which 8/250 cystic fibrosis patients were found to harbor this mutation; seven had a second alteration described, phase not reported (Tzetis M, Hum. Genet. 1997 Jan; 99(1):121-5). In one study, a severe reduction in mRNA levels in the nasal epithelial cells from patients with this mutation, as compared to controls, was reported (Tzetis M, Hum. Genet. 2001 Dec; 109(6):592-601). This pathogenic mutation is associated with elevated sweat chloride levels, decreased lung function, pancreatic insufficiency, and Pseudomonas infection (Sosnay PR, Nat. Genet. 2013 Oct; 45(10):1160-7, Supplementary Table and The Clinical and Functional Translation of CFTR (CFTR2); available at CFTR2. Accessed November 4, 2015). In addition to the clinical data presented in the literature, this alteration is expected to result in loss of function by premature protein truncation or nonsense-mediated mRNA decay. As such, this alteration is interpreted as a disease-causing mutation.

Fulgent Genetics
Classification: Pathogenic for Hereditary pancreatitis; Bronchiectasis with or without elevated sweat chloride 1; Cystic fibrosis; Congenital bilateral aplasia of vas deferens from CFTR mutation. Last evaluated: 2022-05-04. Review status: criteria provided, single submitter. Criteria: ACMG Guidelines, 2015. Collection method: clinical testing. Allele origin: unknown. Not counted in ClinVar's aggregate classification.

Baylor Genetics
Classification: Pathogenic for Congenital bilateral aplasia of vas deferens from CFTR mutation; Cystic fibrosis. Review status: criteria provided, single submitter. Criteria: ACMG Guidelines, 2015. Collection method: clinical testing. Allele origin: germline. Not counted in ClinVar's aggregate classification.

Natera, Inc.
Classification: Pathogenic for CFTR-related disorders. Last evaluated: 2017-03-17. Review status: no assertion criteria provided. Collection method: clinical testing. Allele origin: germline. Not counted in ClinVar's aggregate classification.

Literature cited by the submitters: PubMed 1695717 (cited by Labcorp Genetics (formerly Invitae), Labcorp); PubMed 7691345 (cited by Labcorp Genetics (formerly Invitae), Labcorp); PubMed 9725922 (cited by Labcorp Genetics (formerly Invitae), Labcorp); PubMed 9003508 (cited by Labcorp Genetics (formerly Invitae), Labcorp and Ambry Genetics); PubMed 11810271 (cited by Labcorp Genetics (formerly Invitae), Labcorp and Ambry Genetics); PubMed 31523618 (cited by Labcorp Genetics (formerly Invitae), Labcorp); PubMed 23974870 (cited by Ambry Genetics).

NM_000492.4(CFTR):c.2464G>T (p.Glu822Ter)

Gene: CFTR (CF transmembrane conductance regulator; plus strand). Cytogenetic location: 7q31.2.
Variant type: single nucleotide variant.
Coding change: c.2464G>T on transcript NM_000492.4 (MANE Select); coding-DNA position 2464, G replaced by T.
Protein change: p.Glu822Ter; replaces glutamic acid 822 with a stop codon.
Molecular consequence: nonsense.
Genome position (GRCh38, 1-based): chr7:117,592,631, G>T. VCF-style: chr7-117592631-G-T. GRCh37 (hg19) VCF-style: chr7-117232685-G-T.
Other names: short protein forms E822*.
Identifiers: ClinVar variation 53492 (VCV000053492.54), dbSNP rs397508378, ClinGen allele CA328102.